The following is an entry in ClinVar:

NM_001572.5(IRF7):c.998G>A (p.Ser333Asn)

Gene: IRF7 (interferon regulatory factor 7; minus strand). Cytogenetic location: 11p15.5.
Variant type: single nucleotide variant.
Coding change: c.998G>A on transcript NM_001572.5 (MANE Select); coding-DNA position 998, G replaced by A.
Protein change: p.Ser333Asn; replaces serine 333 with asparagine.
Molecular consequence: missense variant.
Genome position (GRCh38, 1-based): chr11:613,445, C>T on the plus strand (G>A on the coding strand, the complement: IRF7 is on the minus strand). VCF-style: chr11-613445-C-T. GRCh37 (hg19) VCF-style: chr11-613445-C-T.
Other names: c.911G>A, p.Ser304Asn (NM_004029.4); c.1037G>A, p.Ser346Asn (NM_004031.4); short protein forms S346N, S304N, S333N.
Identifiers: ClinVar variation 939941 (VCV000939941.7), dbSNP rs1295169574, ClinGen allele CA378979216.

ClinVar aggregate classification (germline): Uncertain significance. Review status: criteria provided, multiple submitters, no conflicts (2 of 4 stars). 2 submissions from 2 submitters: Uncertain significance (2). Last evaluated 2024-10-06.

Conditions:
Immunodeficiency 39 (IMD39). Identifiers: Orphanet 574918, MedGen C4225358, MONDO:0014597, OMIM 616345.

Allele frequency attached by ClinVar (database versions not stated): gnomAD exomes 0.00002 and 0.00005; TOPMed 0.00002; gnomAD 0.00005.
gnomAD v4.1: 75 of 1,553,968 alleles (0.0048%); highest among the groups gnomAD compares: Non-Finnish European, 0.0062%; no homozygotes.

Submissions (2):

Ambry Genetics
Classification: Uncertain significance. Last evaluated: 2024-10-06. Review status: criteria provided, single submitter. Criteria: Ambry Variant Classification Scheme 2023. Collection method: clinical testing. Allele origin: germline.

Labcorp Genetics (formerly Invitae), Labcorp
Classification: Uncertain significance for Immunodeficiency 39. Last evaluated: 2024-05-06. Review status: criteria provided, single submitter. Criteria: Invitae Variant Classification Sherloc (09022015). Collection method: clinical testing. Allele origin: germline.
Comment: This sequence change replaces serine, which is neutral and polar, with asparagine, which is neutral and polar, at codon 346 of the IRF7 protein (p.Ser346Asn). This variant is present in population databases (no rsID available, gnomAD 0.005%). This variant has not been reported in the literature in individuals affected with IRF7-related conditions. ClinVar contains an entry for this variant (Variation ID: 939941). Advanced modeling of protein sequence and biophysical properties (such as structural, functional, and spatial information, amino acid conservation, physicochemical variation, residue mobility, and thermodynamic stability) performed at Invitae indicates that this missense variant is not expected to disrupt IRF7 protein function with a negative predictive value of 80%. In summary, the available evidence is currently insufficient to determine the role of this variant in disease. Therefore, it has been classified as a Variant of Uncertain Significance.